The following is an entry in ClinVar:

NM_002878.4(RAD51D):c.222A>G (p.Glu74=)

Genes: RAD51L3-RFFL (RAD51L3-RFFL readthrough; minus strand), RAD51D (RAD51 paralog D; minus strand). Cytogenetic location: 17q12.
Variant type: single nucleotide variant.
Coding change: c.222A>G on transcript NM_002878.4 (MANE Select); coding-DNA position 222, A replaced by G.
Protein change: p.Glu74=; no amino-acid change (glutamic acid 74 retained).
Molecular consequence: synonymous variant. On other transcripts: intron variant (2).
Genome position (GRCh38, 1-based): chr17:35,118,542, T>C on the plus strand (A>G on the coding strand, the complement: RAD51D is on the minus strand). VCF-style: chr17-35118542-T-C. GRCh37 (hg19) VCF-style: chr17-33445561-T-C.
Other names: c.144+569A>G (NM_133629.3, NM_001142571.2).
Identifiers: ClinVar variation 1788058 (VCV001788058.3), dbSNP rs1567735340, ClinGen allele CA2580093204.

ClinVar aggregate classification (germline): Benign/Likely benign. Review status: criteria provided, multiple submitters, no conflicts (2 of 4 stars). 2 submissions from 2 submitters: Benign (1); Likely benign (1). Last evaluated 2025-02-20.

Conditions:
Hereditary cancer-predisposing syndrome. Also called: Neoplastic Syndromes, Hereditary; Tumor predisposition; Hereditary Cancer Syndrome; Hereditary neoplastic syndrome. Identifiers: Orphanet 140162, MedGen C0027672, MeSH D009386, MONDO:0015356.
Breast-ovarian cancer, familial, susceptibility to, 4. Identifiers: Orphanet 145, MedGen C3280345, MONDO:0013669, OMIM 614291.

Submissions (2):

Myriad Genetics, Inc.
Classification: Benign for Breast-ovarian cancer, familial, susceptibility to, 4. Last evaluated: 2025-02-20. Review status: criteria provided, single submitter. Criteria: Myriad Autosomal Dominant, Autosomal Recessive and X-Linked Classification Criteria (2023). Collection method: clinical testing. Allele origin: unknown.
Comment: This variant is considered benign. This variant is a silent/synonymous amino acid change and it is not expected to impact splicing.

Ambry Genetics
Classification: Likely benign for Hereditary cancer-predisposing syndrome. Last evaluated: 2020-05-03. Review status: criteria provided, single submitter. Criteria: Ambry Variant Classification Scheme 2023. Collection method: clinical testing. Allele origin: germline.